The following is an entry in ClinVar:

NM_000540.3(RYR1):c.5517G>T (p.Val1839=)

Gene: RYR1 (ryanodine receptor 1; plus strand). Cytogenetic location: 19q13.2.
Variant type: single nucleotide variant.
Coding change: c.5517G>T on transcript NM_000540.3 (MANE Select); coding-DNA position 5517, G replaced by T.
Protein change: p.Val1839=; no amino-acid change (valine 1839 retained).
Molecular consequence: synonymous variant.
Genome position (GRCh38, 1-based): chr19:38,486,172, G>T. VCF-style: chr19-38486172-G-T. GRCh37 (hg19) VCF-style: chr19-38976812-G-T.
Other names: c.5517G>T, p.Val1839= (NM_001042723.2).
Identifiers: ClinVar variation 3071133 (VCV003071133.1), dbSNP rs1969285557, ClinGen allele CA507353532.

ClinVar aggregate classification (germline): Uncertain significance (1 of 4 stars; one submission).

Conditions:
Malignant hyperthermia, susceptibility to, 1 (MHS1). Also called: Anesthesia related hyperthermia; Malignant hyperpyrexia; Fulminating hyperpyrexia; Pharmacogenic myopathy; RYR1-Related Malignant Hyperthermia Susceptibility; Malignant hyperthermia suceptibility 1. Identifiers: Orphanet 423, MedGen C2930980, MONDO:0007783, OMIM 145600.

Allele frequency attached by ClinVar (database versions not stated): TOPMed below 0.00001; gnomAD 0.00001.
gnomAD v4.1: 1 of 1,612,870 alleles (0.000062%); no homozygotes.

Submission:

All of Us Research Program, National Institutes of Health
Classification: Uncertain significance for Malignant hyperthermia, susceptibility to, 1. Last evaluated: 2023-05-16. Review status: criteria provided, single submitter. Criteria: ACMG Guidelines, 2015. Collection method: clinical testing. Allele origin: germline. Inheritance: Autosomal dominant inheritance. Observed: 1 variant allele, 1 heterozygote.
Comment: This variant is located in the RYR1 protein. To our knowledge, functional studies have not been reported for this variant. This variant has not been reported in individuals affected with RYR1-related disorders in the literature. This variant has not been identified in the general population by the Genome Aggregation Database (gnomAD). The available evidence is insufficient to determine the role of this variant in disease conclusively. Therefore, this variant is classified as a Variant of Uncertain Significance.

This study involves interpretation of variants in research participants for the purpose of population health screening. Participant phenotype was not available at the time of variant classification. Additional details can be found in publication PMID: 35346344, PMCID: PMC8962531